The following is an entry in ClinVar:

NM_145868.2(ANXA11):c.130A>G (p.Thr44Ala)

Gene: ANXA11 (annexin A11; minus strand). Cytogenetic location: 10q22.3.
Variant type: single nucleotide variant.
Coding change: c.130A>G on transcript NM_145868.2 (MANE Select); coding-DNA position 130, A replaced by G.
Protein change: p.Thr44Ala; replaces threonine 44 with alanine.
Molecular consequence: missense variant.
Genome position (GRCh38, 1-based): chr10:80,170,841, T>C on the plus strand (A>G on the coding strand, the complement: ANXA11 is on the minus strand). VCF-style: chr10-80170841-T-C. GRCh37 (hg19) VCF-style: chr10-81930597-T-C.
Other names: c.130A>G, p.Thr44Ala (NM_001157.3, NM_001278407.2, NM_001278408.2 and 1 more transcripts); c.31A>G, p.Thr11Ala (NM_001278409.2); short protein forms T11A, T44A.
Identifiers: ClinVar variation 2369906 (VCV002369906.4), dbSNP rs539258237, ClinGen allele CA5576374.

ClinVar aggregate classification (germline): Uncertain significance. Review status: criteria provided, multiple submitters, no conflicts (2 of 4 stars). 2 submissions from 2 submitters: Uncertain significance (2). Last evaluated 2025-01-26.

Conditions:
Inborn genetic diseases. Identifiers: MedGen C0950123, MeSH D030342.

Allele frequency attached by ClinVar (database versions not stated): gnomAD exomes below 0.00001; gnomAD 0.00001; TOPMed 0.00002; ExAC 0.00003; 1000 Genomes Project 30x 0.00016; 1000 Genomes Project 0.00020.
gnomAD v4.1: 8 of 1,515,178 alleles (0.00053%); highest among the groups gnomAD compares: Admixed American, 0.012%; no homozygotes.

Submissions (2):

Labcorp Genetics (formerly Invitae), Labcorp
Classification: Uncertain significance. Last evaluated: 2025-01-26. Review status: criteria provided, single submitter. Criteria: Invitae Variant Classification Sherloc (09022015). Collection method: clinical testing. Allele origin: germline.
Comment: This sequence change replaces threonine, which is neutral and polar, with alanine, which is neutral and non-polar, at codon 44 of the ANXA11 protein (p.Thr44Ala). This variant is present in population databases (rs539258237, gnomAD 0.01%). This variant has not been reported in the literature in individuals affected with ANXA11-related conditions. ClinVar contains an entry for this variant (Variation ID: 2369906). Experimental studies and prediction algorithms are not available or were not evaluated, and the functional significance of this variant is currently unknown. In summary, the available evidence is currently insufficient to determine the role of this variant in disease. Therefore, it has been classified as a Variant of Uncertain Significance.

Ambry Genetics
Classification: Uncertain significance for Inborn genetic diseases. Last evaluated: 2021-06-11. Review status: criteria provided, single submitter. Criteria: Ambry Variant Classification Scheme 2023. Collection method: clinical testing. Allele origin: germline.